The following is an entry in ClinVar:

NM_001377.3(DYNC2H1):c.10686T>A (p.Cys3562Ter)

Gene: DYNC2H1 (dynein cytoplasmic 2 heavy chain 1; plus strand). Cytogenetic location: 11q22.3.
Variant type: single nucleotide variant.
Coding change: c.10686T>A on transcript NM_001377.3 (MANE Select); coding-DNA position 10686, T replaced by A.
Protein change: p.Cys3562Ter; replaces cysteine 3562 with a stop codon.
Molecular consequence: nonsense.
Genome position (GRCh38, 1-based): chr11:103,259,968, T>A. VCF-style: chr11-103259968-T-A. GRCh37 (hg19) VCF-style: chr11-103130697-T-A.
Other names: c.10707T>A, p.Cys3569Ter (NM_001080463.2); short protein forms C3562*, C3569*.
Identifiers: ClinVar variation 5015588 (VCV005015588.1).

ClinVar aggregate classification (germline): Pathogenic (1 of 4 stars; one submission).

Conditions:
Asphyxiating thoracic dystrophy 3. Also called: SHORT-RIB THORACIC DYSPLASIA 3 WITH OR WITHOUT POLYDACTYLY; POLYDACTYLY WITH NEONATAL CHONDRODYSTROPHY, TYPE I; SHORT-RIB THORACIC DYSPLASIA 3/6 WITH POLYDACTYLY, DIGENIC; Short rib polydactyly syndrome 2B; Saldino-Noonan Syndrome. Identifiers: Orphanet 474, Orphanet 93269, Orphanet 93270, Orphanet 93271, MedGen C0036069, MONDO:0013127, OMIM 613091.

Submission:

Myriad Genetics, Inc.
Classification: Pathogenic for Asphyxiating thoracic dystrophy 3. Last evaluated: 2026-02-21. Review status: criteria provided, single submitter. Criteria: Myriad Autosomal Dominant, Autosomal Recessive and X-Linked Classification Criteria (2023). Collection method: clinical testing. Allele origin: unknown.
Comment: NM_001377.2(DYNC2H1):c.10686T>A(C3562*) is expected to be pathogenic in the context of DYNC2H1-related disorders. This variant is predicted to lead to an abnormal or absent protein product due to the creation of a premature termination codon in DYNC2H1, a gene where loss-of-function variants are known to be pathogenic. Please note: this variant was assessed in the context of healthy population screening.